The following is an entry in ClinVar:

ClinVar aggregate classification (germline): Benign (1 of 4 stars; one submission).

Allele frequency attached by ClinVar (database versions not stated): gnomAD 0.11449 and 0.12269; TOPMed 0.12908; 1000 Genomes Project 30x 0.19488; 1000 Genomes Project 0.19808.

Submission:

GeneDx
Classification: Benign. Last evaluated: 2018-06-16. Review status: criteria provided, single submitter. Criteria: GeneDx Variant Classification (06012015). Collection method: clinical testing. Allele origin: germline. Affected: yes.
Comment: This variant is considered likely benign or benign based on one or more of the following criteria: it is a conservative change, it occurs at a poorly conserved position in the protein, it is predicted to be benign by multiple in silico algorithms, and/or has population frequency not consistent with disease.

NM_018480.7(TMEM126B):c.81+859C>T

Gene: TMEM126B (transmembrane protein 126B; plus strand). Cytogenetic location: 11q14.1.
Variant type: single nucleotide variant.
Coding change: c.81+859C>T on transcript NM_018480.7 (MANE Select); 859 bases into the intron after coding-DNA position 81, C replaced by T.
Molecular consequence: intron variant.
Genome position (GRCh38, 1-based): chr11:85,629,547, C>T. VCF-style: chr11-85629547-C-T. GRCh37 (hg19) VCF-style: chr11-85340591-C-T.
Other names: c.21+285C>T (NM_001193537.3, NM_001350395.2); c.-10+344C>T (NM_001256546.2); c.-182+859C>T (NM_001193538.3, NM_001350396.2); c.65+859C>T (NM_001256547.2); c.81+859C>T (NM_001350393.1, NM_001350394.2).
Identifiers: ClinVar variation 671603 (VCV000671603.1), dbSNP rs17208519, ClinGen allele CA15695751.